The following is an entry in ClinVar:

NM_001039591.3(USP9X):c.1477C>T (p.Arg493Cys)

Gene: USP9X (ubiquitin specific peptidase 9 X-linked; plus strand). Cytogenetic location: Xp11.4.
Variant type: single nucleotide variant.
Coding change: c.1477C>T on transcript NM_001039591.3 (MANE Select); coding-DNA position 1477, C replaced by T.
Protein change: p.Arg493Cys; replaces arginine 493 with cysteine.
Molecular consequence: missense variant.
Genome position (GRCh38, 1-based): chrX:41,148,426, C>T. VCF-style: chrX-41148426-C-T. GRCh37 (hg19) VCF-style: chrX-41007679-C-T.
Other names: c.1477C>T, p.Arg493Cys (NM_001039590.3, NM_001410748.1, NM_001410749.1); short protein forms R493C.
Identifiers: ClinVar variation 1810583 (VCV001810583.1), dbSNP rs2519156130, ClinGen allele CA412771951.

ClinVar aggregate classification (germline): Likely pathogenic (1 of 4 stars; one submission).

Submission:

GeneDx
Classification: Likely pathogenic. Last evaluated: 2023-01-04. Review status: criteria provided, single submitter. Criteria: GeneDx Variant Classification Process June 2021. Collection method: clinical testing. Allele origin: germline. Affected: yes.
Comment: Not observed at significant frequency in large population cohorts (gnomAD); In silico analysis supports that this missense variant has a deleterious effect on protein structure/function; Has not been previously published as pathogenic or benign to our knowledge